The following is an entry in ClinVar:

NM_025179.4(PLXNA2):c.1481A>G (p.Tyr494Cys)

Gene: PLXNA2 (plexin A2; minus strand). Cytogenetic location: 1q32.2.
Variant type: single nucleotide variant.
Coding change: c.1481A>G on transcript NM_025179.4 (MANE Select); coding-DNA position 1481, A replaced by G.
Protein change: p.Tyr494Cys; replaces tyrosine 494 with cysteine.
Molecular consequence: missense variant.
Genome position (GRCh38, 1-based): chr1:208,142,354, T>C on the plus strand (A>G on the coding strand, the complement: PLXNA2 is on the minus strand). VCF-style: chr1-208142354-T-C. GRCh37 (hg19) VCF-style: chr1-208315699-T-C.
Other names: c.1481A>G (NM_025179.3); short protein forms Y494C.
Identifiers: ClinVar variation 4736813 (VCV004736813.2).

ClinVar aggregate classification (germline): Uncertain significance. Review status: criteria provided, multiple submitters, no conflicts (2 of 4 stars). 2 submissions from 2 submitters: Uncertain significance (2). Last evaluated 2026-08-05.

Conditions:
PLXNA2-related disorder. Also called: PLXNA2-related condition.

gnomAD v4.1: 25 of 1,612,546 alleles (0.0016%); highest among the groups gnomAD compares: Non-Finnish European, 0.002%; no homozygotes.

Submissions (2):

PreventionGenetics, part of Exact Sciences
Classification: Uncertain significance for PLXNA2-related condition. Last evaluated: 2026-08-05. Review status: criteria provided, single submitter. Criteria: ACMG Guidelines, 2015. Collection method: clinical testing. Allele origin: germline.
Comment: The PLXNA2 c.1481A>G variant is predicted to result in the amino acid substitution p.Tyr494Cys. To our knowledge, this variant has not been reported in the literature. This variant is reported in 0.014% of alleles in individuals of European (Non-Finnish) descent in gnomAD. At this time, the clinical significance of this variant is uncertain due to the absence of conclusive functional and genetic evidence.

Labcorp Genetics (formerly Invitae), Labcorp
Classification: Uncertain significance. Last evaluated: 2025-12-17. Review status: criteria provided, single submitter. Criteria: Invitae Variant Classification Sherloc (09022015). Collection method: clinical testing. Allele origin: germline.
Comment: This sequence change replaces tyrosine, which is neutral and polar, with cysteine, which is neutral and slightly polar, at codon 494 of the PLXNA2 protein (p.Tyr494Cys). This variant is present in population databases (rs146345221, gnomAD 0.01%). This variant has not been reported in the literature in individuals affected with PLXNA2-related conditions. Invitae Evidence Modeling of protein sequence and biophysical properties (such as structural, functional, and spatial information, amino acid conservation, physicochemical variation, residue mobility, and thermodynamic stability) indicates that this missense variant is not expected to disrupt PLXNA2 protein function with a negative predictive value of 80%. In summary, the available evidence is currently insufficient to determine the role of this variant in disease. Therefore, it has been classified as a Variant of Uncertain Significance.